The following is an entry in ClinVar:

ClinVar aggregate classification (germline): Likely benign (1 of 4 stars; one submission).

Allele frequency attached by ClinVar (database versions not stated): ExAC 0.00005.

Submission:

CeGaT Center for Human Genetics Tuebingen
Classification: Likely benign. Last evaluated: 2022-12-01. Review status: criteria provided, single submitter. Criteria: CeGaT Center For Human Genetics Tuebingen Variant Classification Criteria Version 2. Collection method: clinical testing. Allele origin: germline. Affected: yes. Observed: 1 variant allele.
Comment: HYDIN: BP4, BP7

NM_001270974.2(HYDIN):c.10782C>T (p.Asn3594=)

Gene: HYDIN (HYDIN axonemal central pair apparatus protein; minus strand). Cytogenetic location: 16q22.2.
Variant type: single nucleotide variant.
Coding change: c.10782C>T on transcript NM_001270974.2 (MANE Select); coding-DNA position 10782, C replaced by T.
Protein change: p.Asn3594=; no amino-acid change (asparagine 3594 retained).
Molecular consequence: synonymous variant.
Genome position (GRCh38, 1-based): chr16:70,874,471, G>A on the plus strand (C>T on the coding strand, the complement: HYDIN is on the minus strand). VCF-style: chr16-70874471-G-A. GRCh37 (hg19) VCF-style: chr16-70908374-G-A.
Identifiers: ClinVar variation 2646716 (VCV002646716.24), dbSNP rs779034918, ClinGen allele CA8149196.